The following is an entry in ClinVar:

ClinVar aggregate classification (germline): Uncertain significance (1 of 4 stars; one submission).

Conditions:
Hereditary spastic paraplegia 57. Also called: Spastic paraplegia 57, autosomal recessive. Identifiers: Orphanet 431329, MedGen C3714897, MONDO:0014295, OMIM 615658.
Hereditary motor and sensory neuropathy, Okinawa type (HMSNO). Also called: HEREDITARY MOTOR AND SENSORY NEUROPATHY, PROXIMAL TYPE. Identifiers: Orphanet 90117, MedGen C1858338, MONDO:0011468, OMIM 604484.

Allele frequency attached by ClinVar (database versions not stated): gnomAD exomes below 0.00001; gnomAD 0.00001.
gnomAD v4.1: 6 of 1,613,694 alleles (0.00037%); highest among the groups gnomAD compares: African/African-American, 0.0013%; no homozygotes.

Submission:

Labcorp Genetics (formerly Invitae), Labcorp
Classification: Uncertain significance for Hereditary motor and sensory neuropathy, Okinawa type; Hereditary spastic paraplegia 57. Last evaluated: 2025-03-01. Review status: criteria provided, single submitter. Criteria: Invitae Variant Classification Sherloc (09022015). Collection method: clinical testing. Allele origin: germline.
Comment: This sequence change replaces arginine, which is basic and polar, with histidine, which is basic and polar, at codon 203 of the TFG protein (p.Arg203His). This variant is not present in population databases (gnomAD no frequency). This variant has not been reported in the literature in individuals affected with TFG-related conditions. ClinVar contains an entry for this variant (Variation ID: 951265). Invitae Evidence Modeling of protein sequence and biophysical properties (such as structural, functional, and spatial information, amino acid conservation, physicochemical variation, residue mobility, and thermodynamic stability) indicates that this missense variant is not expected to disrupt TFG protein function with a negative predictive value of 80%. In summary, the available evidence is currently insufficient to determine the role of this variant in disease. Therefore, it has been classified as a Variant of Uncertain Significance.

NM_006070.6(TFG):c.608G>A (p.Arg203His)

Gene: TFG (trafficking from ER to golgi regulator; plus strand). Cytogenetic location: 3q12.2.
Variant type: single nucleotide variant.
Coding change: c.608G>A on transcript NM_006070.6 (MANE Select); coding-DNA position 608, G replaced by A.
Protein change: p.Arg203His; replaces arginine 203 with histidine.
Molecular consequence: missense variant.
Genome position (GRCh38, 1-based): chr3:100,736,603, G>A. VCF-style: chr3-100736603-G-A. GRCh37 (hg19) VCF-style: chr3-100455447-G-A.
Other names: c.608G>A, p.Arg203His (NM_001007565.2, NM_001195478.2, NM_001195479.2); short protein forms R203H.
Identifiers: ClinVar variation 951265 (VCV000951265.9), dbSNP rs879472420, ClinGen allele CA79704573.
Genomic context (GRCh38, chr3:100,736,603, plus strand): 5'-GGATACTAAACTGACTTTTTTTTGACTATCCAGGGCCACCCAGTGCTCCTGCAGAAGATC[G>A]TTCAGGAACACCCGACAGCATTGCTTCCTCCTCCTCAGCAGCTCACCCACCAGGCGTTCA-3'
Protein context (NP_006061.2, residues 193-213): SGPPSAPAED[Arg203His]SGTPDSIASS